The following is an entry in ClinVar:

ClinVar aggregate classification (germline): Uncertain significance (1 of 4 stars; one submission).

gnomAD v4.1: 23 of 1,613,494 alleles (0.0014%); highest among the groups gnomAD compares: South Asian, 0.0022%; no homozygotes.

Submission:

Labcorp Genetics (formerly Invitae), Labcorp
Classification: Uncertain significance. Last evaluated: 2025-11-03. Review status: criteria provided, single submitter. Criteria: Invitae Variant Classification Sherloc (09022015). Collection method: clinical testing. Allele origin: germline.
Comment: This sequence change replaces asparagine, which is neutral and polar, with lysine, which is basic and polar, at codon 1101 of the IGF1R protein (p.Asn1101Lys). This variant is present in population databases (rs770510103, gnomAD 0.004%). This variant has not been reported in the literature in individuals affected with IGF1R-related conditions. Invitae Evidence Modeling of protein sequence and biophysical properties (such as structural, functional, and spatial information, amino acid conservation, physicochemical variation, residue mobility, and thermodynamic stability) indicates that this missense variant is not expected to disrupt IGF1R protein function with a negative predictive value of 80%. In summary, the available evidence is currently insufficient to determine the role of this variant in disease. Therefore, it has been classified as a Variant of Uncertain Significance.

NM_000875.5(IGF1R):c.3303T>G (p.Asn1101Lys)

Gene: IGF1R (insulin like growth factor 1 receptor; plus strand). Cytogenetic location: 15q26.3.
Variant type: single nucleotide variant.
Coding change: c.3303T>G on transcript NM_000875.5 (MANE Select); coding-DNA position 3303, T replaced by G.
Protein change: p.Asn1101Lys; replaces asparagine 1101 with lysine.
Molecular consequence: missense variant.
Genome position (GRCh38, 1-based): chr15:98,939,206, T>G. VCF-style: chr15-98939206-T-G. GRCh37 (hg19) VCF-style: chr15-99482435-T-G.
Other names: c.3300T>G, p.Asn1100Lys (NM_001291858.2); short protein forms N1100K, N1101K.
Identifiers: ClinVar variation 4702545 (VCV004702545.1).